The following is an entry in ClinVar:

NM_001113491.2(SEPTIN9):c.194A>C (p.Asp65Ala)

Gene: SEPTIN9 (septin 9; plus strand). Cytogenetic location: 17q25.3.
Variant type: single nucleotide variant.
Coding change: c.194A>C on transcript NM_001113491.2 (MANE Select); coding-DNA position 194, A replaced by C.
Protein change: p.Asp65Ala; replaces aspartic acid 65 with alanine.
Molecular consequence: missense variant. On other transcripts: 5 prime UTR variant (2).
Genome position (GRCh38, 1-based): chr17:77,402,176, A>C. VCF-style: chr17-77402176-A-C. GRCh37 (hg19) VCF-style: chr17-75398258-A-C.
Other names: c.-299A>C (NM_001113492.2, NM_001113494.1); c.173A>C, p.Asp58Ala (NM_001113493.2); c.137A>C, p.Asp46Ala (NM_001293695.2); c.140A>C, p.Asp47Ala (NM_006640.5); short protein forms D46A, D47A, D58A, D65A.
Identifiers: ClinVar variation 4740866 (VCV004740866.1).

ClinVar aggregate classification (germline): Uncertain significance (1 of 4 stars; one submission).

Submission:

Labcorp Genetics (formerly Invitae), Labcorp
Classification: Uncertain significance. Last evaluated: 2025-12-09. Review status: criteria provided, single submitter. Criteria: Invitae Variant Classification Sherloc (09022015). Collection method: clinical testing. Allele origin: germline.
Comment: This sequence change replaces aspartic acid, which is acidic and polar, with alanine, which is neutral and non-polar, at codon 47 of the SEPT9 protein (p.Asp47Ala). This variant is not present in population databases (gnomAD no frequency). This variant has not been reported in the literature in individuals affected with SEPT9-related conditions. Invitae Evidence Modeling of protein sequence and biophysical properties (such as structural, functional, and spatial information, amino acid conservation, physicochemical variation, residue mobility, and thermodynamic stability) indicates that this missense variant is not expected to disrupt SEPT9 protein function with a negative predictive value of 80%. In summary, the available evidence is currently insufficient to determine the role of this variant in disease. Therefore, it has been classified as a Variant of Uncertain Significance.